The following is an entry in ClinVar:

NM_020822.3(KCNT1):c.1066C>T (p.Arg356Trp)

Gene: KCNT1 (potassium sodium-activated channel subfamily T member 1; plus strand). Cytogenetic location: 9q34.3.
Variant type: single nucleotide variant.
Coding change: c.1066C>T on transcript NM_020822.3 (MANE Select); coding-DNA position 1066, C replaced by T.
Protein change: p.Arg356Trp; replaces arginine 356 with tryptophan.
Molecular consequence: missense variant.
Genome position (GRCh38, 1-based): chr9:135,765,061, C>T. VCF-style: chr9-135765061-C-T. GRCh37 (hg19) VCF-style: chr9-138656907-C-T.
Other names: c.931C>T, p.Arg311Trp (NM_001272003.2); short protein forms R356W, R311W.
Identifiers: ClinVar variation 389450 (VCV000389450.60), dbSNP rs752514808, ClinGen allele CA16605732.

ClinVar aggregate classification (germline): Pathogenic/Likely pathogenic. Review status: criteria provided, multiple submitters, no conflicts (2 of 4 stars). 8 submissions from 8 submitters: Pathogenic (5); Likely pathogenic (3). Last evaluated 2025-06-28.

Conditions:
Developmental and epileptic encephalopathy, 14 (DEE14). Also called: Early infantile epileptic encephalopathy 14. Identifiers: Orphanet 293181, MedGen C3554195, MONDO:0013989, OMIM 614959.
Autosomal dominant nocturnal frontal lobe epilepsy 5. Also called: CILIARY DYSKINESIA, PRIMARY, 28, WITHOUT SITUS INVERSUS; CILIARY DYSKINESIA, PRIMARY, 28, WITH SITUS INVERSUS; KCNT1-Related Epilepsy; Epilepsy, nocturnal frontal lobe, 5. Identifiers: Orphanet 98784, MedGen C3554306, MONDO:0014002, OMIM 615005.

gnomAD v4.1: 1 of 1,612,896 alleles (0.000062%); highest among the groups gnomAD compares: Non-Finnish European, 0.000085%; no homozygotes.

Submissions (8):

Dasa
Classification: Likely pathogenic. Last evaluated: 2025-06-28. Review status: criteria provided, single submitter. Criteria: DASA Assertion Criteria. Collection method: clinical testing. Allele origin: germline.
Comment: NM_020822.3(KCNT1):c.1066C>T (p.Arg356Trp) is a missense variant that results in the substitution of arginine with tryptophan. This variant has been recurrently observed in individuals with KCNT1-related disorders (PMID: 31532594; PMID: 31216405; PMID: 31388363; PMID: 31618474). This variant has been reported as a de novo occurrence in an affected individual (PMID: 31532594). Also, this variant is rare in population databases. Based on the currently available evidence, this variant is classified as likely pathogenic.

Clinical Genetics Laboratory, Skane University Hospital Lund
Classification: Pathogenic for Developmental and epileptic encephalopathy, 14. Last evaluated: 2025-06-27. Review status: criteria provided, single submitter. Criteria: ACMG Guidelines, 2015. Collection method: clinical testing. Allele origin: de novo. Affected: yes.
Comment: ACMG-criteria used: PS2_VeryStrong, PS4, PM2 and BP4

Labcorp Genetics (formerly Invitae), Labcorp
Classification: Pathogenic for Autosomal dominant nocturnal frontal lobe epilepsy 5; Developmental and epileptic encephalopathy, 14. Last evaluated: 2025-05-17. Review status: criteria provided, single submitter. Criteria: Invitae Variant Classification Sherloc (09022015). Collection method: clinical testing. Allele origin: germline.
Comment: This sequence change replaces arginine, which is basic and polar, with tryptophan, which is neutral and slightly polar, at codon 356 of the KCNT1 protein (p.Arg356Trp). This variant is not present in population databases (gnomAD no frequency). This missense change has been observed in individual(s) with KCNT1-related conditions (PMID: 25326635, 31532594; internal data). In at least one individual the variant was observed to be de novo. ClinVar contains an entry for this variant (Variation ID: 389450). Invitae Evidence Modeling of protein sequence and biophysical properties (such as structural, functional, and spatial information, amino acid conservation, physicochemical variation, residue mobility, and thermodynamic stability) has been performed for this missense variant. However, the output from this modeling did not meet the statistical confidence thresholds required to predict the impact of this variant on KCNT1 protein function. For these reasons, this variant has been classified as Pathogenic.

3billion
Classification: Pathogenic for Developmental and epileptic encephalopathy, 14. Last evaluated: 2024-06-27. Review status: criteria provided, single submitter. Criteria: ACMG Guidelines, 2015. Collection method: clinical testing. Allele origin: germline. Affected: yes.
Comment: The variant is observed at an extremely low frequency in the gnomAD v4.1.0 dataset (total allele frequency: <0.001%). Predicted Consequence/Location: Missense variant. Missense changes are a common disease-causing mechanism. In silico tool predictions suggest damaging effect of the variant on gene or gene product [3Cnet: 0.97 (>=0.6, sensitivity 0.72 and precision 0.9)]. The same nucleotide change resulting in the same amino acid change has been previously reported as pathogenic/likely pathogenic with strong evidence (ClinVar ID: VCV000389450 /PMID: 31388363). The variant has been observed in at least two similarly affected unrelated individuals (PMID: 31532594, 31618474). A different missense change at the same codon (p.Arg356Gln) has been reported to be associated with KCNT1 related disorder (ClinVar ID: VCV000373294). Therefore, this variant is classified as Pathogenic according to the recommendation of ACMG/AMP guideline.

GeneDx
Classification: Pathogenic. Last evaluated: 2022-11-17. Review status: criteria provided, single submitter. Criteria: GeneDx Variant Classification Process June 2021. Collection method: clinical testing. Allele origin: germline. Affected: yes.
Comment: Reported in a patient in published literature with infantile seizures who also harbored another variant in the KCNT1 gene, although familial segregation information was not provided to determine if either variant occurred de novo or to determine if the variants occurred on the same (in cis) or on different (in trans) chromosomes (Passey et al., 2019); Not observed in large population cohorts (gnomAD); In silico analysis supports that this missense variant has a deleterious effect on protein structure/function; This variant is associated with the following publications: (PMID: 31532594, 31216405, 31388363, 31618474, 32776321, 25326635, 34074526)

Laboratorio de Genetica e Diagnostico Molecular, Hospital Israelita Albert Einstein
Classification: Likely pathogenic. Last evaluated: 2019-03-08. Review status: criteria provided, single submitter. Criteria: ACMG Guidelines, 2015. Collection method: clinical testing. Allele origin: germline. Affected: yes.
Comment: ACMG classification criteria: PS2, PM2, PP3

CeGaT Center for Human Genetics Tuebingen
Classification: Likely pathogenic. Last evaluated: 2018-11-01. Review status: criteria provided, single submitter. Criteria: CeGaT Center For Human Genetics Tuebingen Variant Classification Criteria Version 2. Collection method: clinical testing. Allele origin: germline. Affected: yes. Observed: 1 variant allele.

Baylor Genetics
Classification: Pathogenic for Autosomal dominant nocturnal frontal lobe epilepsy 5; Developmental and epileptic encephalopathy, 14. Last evaluated: 2017-12-31. Review status: criteria provided, single submitter. Criteria: ACMG Guidelines, 2015. Collection method: clinical testing. Allele origin: germline. Affected: yes.
Comment: Reclassification to existing record

Literature cited by the submitters: PubMed 31216405 (cited by Dasa); PubMed 31532594 (cited by 3 submitters); PubMed 31388363 (cited by Dasa and 3billion); PubMed 31618474 (cited by Dasa and 3billion); PubMed 25326635 (cited by Labcorp Genetics (formerly Invitae), Labcorp and Baylor Genetics).